The following is an entry in ClinVar:

ClinVar aggregate classification (germline): Benign/Likely benign. Review status: criteria provided, multiple submitters, no conflicts (2 of 4 stars). 3 submissions from 3 submitters: Benign (1); Likely benign (2). Last evaluated 2024-11-18.

Conditions:
Hereditary cancer-predisposing syndrome. Also called: Neoplastic Syndromes, Hereditary; Hereditary Cancer Syndrome; Hereditary neoplastic syndrome; Tumor predisposition. Identifiers: Orphanet 140162, MedGen C0027672, MeSH D009386, MONDO:0015356.
Birt-Hogg-Dube syndrome 1 (BHD1). Also called: FIBROFOLLICULOMAS WITH TRICHODISCOMAS AND ACROCHORDONS. Identifiers: Orphanet 122, MedGen CN375946, MONDO:0800445, OMIM 135150.
Birt-Hogg-Dube syndrome. Also called: Birt Hogg Dubé syndrome. Identifiers: Orphanet 122, MedGen C0346010, MONDO:0800444.

Allele frequency attached by ClinVar (database versions not stated): gnomAD exomes below 0.00001.

Submissions (3):

Labcorp Genetics (formerly Invitae), Labcorp
Classification: Likely benign for Birt-Hogg-Dube syndrome. Last evaluated: 2024-11-18. Review status: criteria provided, single submitter. Criteria: Invitae Variant Classification Sherloc (09022015). Collection method: clinical testing. Allele origin: germline.

Myriad Genetics, Inc.
Classification: Benign for Birt-Hogg-Dube syndrome 1. Last evaluated: 2024-10-24. Review status: criteria provided, single submitter. Criteria: Myriad Autosomal Dominant, Autosomal Recessive and X-Linked Classification Criteria (2023). Collection method: clinical testing. Allele origin: unknown.
Comment: This variant is considered benign. This variant is a silent/synonymous amino acid change and it is not expected to impact splicing.

Ambry Genetics
Classification: Likely benign for Hereditary cancer-predisposing syndrome. Last evaluated: 2020-05-16. Review status: criteria provided, single submitter. Criteria: Ambry Variant Classification Scheme 2023. Collection method: clinical testing. Allele origin: germline.

NM_144997.7(FLCN):c.1215C>T (p.Tyr405=)

Gene: FLCN (folliculin; minus strand). Cytogenetic location: 17p11.2.
Variant type: single nucleotide variant.
Coding change: c.1215C>T on transcript NM_144997.7 (MANE Select); coding-DNA position 1215, C replaced by T.
Protein change: p.Tyr405=; no amino-acid change (tyrosine 405 retained).
Molecular consequence: synonymous variant.
Genome position (GRCh38, 1-based): chr17:17,216,465, G>A on the plus strand (C>T on the coding strand, the complement: FLCN is on the minus strand). VCF-style: chr17-17216465-G-A. GRCh37 (hg19) VCF-style: chr17-17119779-G-A.
Other names: c.1269C>T, p.Tyr423= (NM_001353229.2); c.1215C>T, p.Tyr405= (NM_001353230.2, NM_001353231.2).
Identifiers: ClinVar variation 1117507 (VCV001117507.10), dbSNP rs786202541, ClinGen allele CA498163270.
Genomic context (GRCh38, chr17:17,216,465, plus strand): 5'-CTGCACGTGCGGGCTGAGCCCCAGGAAGTTGCACCGATAGGCCTCCTCGTACTGGCTGCT[G>A]TATGGGATGATGCGGACGCAGCCCACGGGAAGCATGGTCTGAGGAGGACAGCAGGACTCA-3'
Protein context (NP_659434.2, residues 395-415): LPVGCVRIIP[Tyr405=]SSQYEEAYRC